The following is an entry in ClinVar:

ClinVar aggregate classification (germline): Uncertain significance (1 of 4 stars; one submission).

Conditions:
Familial thoracic aortic aneurysm and aortic dissection (TAAD). Also called: Thoracic aortic aneurysms and dissections. Identifiers: Orphanet 91387, MedGen C4707243, MONDO:0019625.

Submission:

Color Diagnostics, LLC DBA Color Health
Classification: Uncertain significance for Familial thoracic aortic aneurysm and aortic dissection. Last evaluated: 2025-09-14. Review status: criteria provided, single submitter. Criteria: ACMG Guidelines, 2015. Collection method: clinical testing. Allele origin: germline.
Comment: This missense variant replaces glycine with glutamic acid at codon 201 of the FBN1 protein. Computational prediction suggests that this variant may have deleterious impact on protein structure and function. To our knowledge, functional studies have not been reported for this variant. This variant has not been reported in individuals affected with FBN1-related disorders in the literature. This variant has not been identified in the general population by the Genome Aggregation Database (gnomAD). The available evidence is insufficient to determine the role of this variant in disease conclusively. Therefore, this variant is classified as a Variant of Uncertain Significance.

NM_000138.5(FBN1):c.602G>A (p.Gly201Glu)

Gene: FBN1 (fibrillin 1; minus strand). Cytogenetic location: 15q21.1.
Variant type: single nucleotide variant.
Coding change: c.602G>A on transcript NM_000138.5 (MANE Select); coding-DNA position 602, G replaced by A.
Protein change: p.Gly201Glu; replaces glycine 201 with glutamic acid.
Molecular consequence: missense variant.
Genome position (GRCh38, 1-based): chr15:48,537,745, C>T on the plus strand (G>A on the coding strand, the complement: FBN1 is on the minus strand). VCF-style: chr15-48537745-C-T. GRCh37 (hg19) VCF-style: chr15-48829942-C-T.
Other names: c.602G>A, p.Gly201Glu (NM_001406716.1, NM_001406717.1); short protein forms G201E.
Identifiers: ClinVar variation 4756401 (VCV004756401.1).